The following is an entry in ClinVar:

NM_014727.3(KMT2B):c.719T>C (p.Val240Ala)

Gene: KMT2B (lysine methyltransferase 2B; plus strand). Cytogenetic location: 19q13.12.
Variant type: single nucleotide variant.
Coding change: c.719T>C on transcript NM_014727.3 (MANE Select); coding-DNA position 719, T replaced by C.
Protein change: p.Val240Ala; replaces valine 240 with alanine.
Molecular consequence: missense variant.
Genome position (GRCh38, 1-based): chr19:35,720,066, T>C. VCF-style: chr19-35720066-T-C. GRCh37 (hg19) VCF-style: chr19-36210968-T-C.
Other names: c.719T>C (NM_014727.1); short protein forms V240A.
Identifiers: ClinVar variation 1717345 (VCV001717345.6), dbSNP rs2513312197, ClinGen allele CA405380567.

ClinVar aggregate classification (germline): Uncertain significance. Review status: criteria provided, multiple submitters, no conflicts (2 of 4 stars). 2 submissions from 2 submitters: Uncertain significance (2). Last evaluated 2025-03-05.

Conditions:
Inborn genetic diseases. Identifiers: MedGen C0950123, MeSH D030342.

Submissions (2):

Ambry Genetics
Classification: Uncertain significance for Inborn genetic diseases. Last evaluated: 2025-03-05. Review status: criteria provided, single submitter. Criteria: Ambry Variant Classification Scheme 2023. Collection method: clinical testing. Allele origin: germline.

Labcorp Genetics (formerly Invitae), Labcorp
Classification: Uncertain significance. Last evaluated: 2022-07-19. Review status: criteria provided, single submitter. Criteria: Invitae Variant Classification Sherloc (09022015). Collection method: clinical testing. Allele origin: germline.
Comment: This sequence change replaces valine, which is neutral and non-polar, with alanine, which is neutral and non-polar, at codon 240 of the KMT2B protein (p.Val240Ala). This variant is not present in population databases (gnomAD no frequency). This variant has not been reported in the literature in individuals affected with KMT2B-related conditions. Algorithms developed to predict the effect of missense changes on protein structure and function output the following: SIFT: "Tolerated"; PolyPhen-2: "Not Available"; Align-GVGD: "Class C0". The alanine amino acid residue is found in multiple mammalian species, which suggests that this missense change does not adversely affect protein function. In summary, the available evidence is currently insufficient to determine the role of this variant in disease. Therefore, it has been classified as a Variant of Uncertain Significance.